The following is an entry in ClinVar:

ClinVar aggregate classification (germline): Uncertain significance. Review status: criteria provided, multiple submitters, no conflicts (2 of 4 stars). 2 submissions from 2 submitters: Uncertain significance (2). Last evaluated 2024-06-04.

Conditions:
Seizures, benign familial infantile, 3 (BFIS3). Also called: CONVULSIONS, BENIGN FAMILIAL INFANTILE, 3; Familial neonatal seizures. Identifiers: Orphanet 140927, Orphanet 306, MedGen C1843140, MONDO:0011904, OMIM 607745.
Developmental and epileptic encephalopathy, 11 (DEE11). Also called: Early infantile epileptic encephalopathy 11. Identifiers: Orphanet 1934, MedGen C3150987, MONDO:0013388, OMIM 613721.
Episodic ataxia, type 9. Identifiers: MedGen C5394520, MONDO:0030064, OMIM 618924.

Allele frequency attached by ClinVar (database versions not stated): TOPMed below 0.00001; gnomAD 0.00001.
gnomAD v4.1: 1 of 1,613,868 alleles (0.000062%); highest among the groups gnomAD compares: Non-Finnish European, 0.000085%; no homozygotes.

Submissions (2):

Fulgent Genetics
Classification: Uncertain significance for Seizures, benign familial infantile, 3; Developmental and epileptic encephalopathy, 11; Episodic ataxia, type 9. Last evaluated: 2024-06-04. Review status: criteria provided, single submitter. Criteria: ACMG Guidelines, 2015. Collection method: clinical testing. Allele origin: germline.

GeneDx
Classification: Uncertain significance. Last evaluated: 2023-11-03. Review status: criteria provided, single submitter. Criteria: GeneDx Variant Classification Process June 2021. Collection method: clinical testing. Allele origin: germline. Affected: yes.
Comment: In silico analysis supports that this missense variant does not alter protein structure/function; This substitution is predicted to be within the transmembrane segment S2 of the fourth homologous domain; Has not been previously published as pathogenic or benign to our knowledge; Not observed at significant frequency in large population cohorts (gnomAD); Missense variants in this gene are a common cause of disease and they are underrepresented in the general population

NM_001040142.2(SCN2A):c.4715T>C (p.Val1572Ala)

Gene: SCN2A (sodium voltage-gated channel alpha subunit 2; plus strand). Cytogenetic location: 2q24.3.
Variant type: single nucleotide variant.
Coding change: c.4715T>C on transcript NM_001040142.2 (MANE Select); coding-DNA position 4715, T replaced by C.
Protein change: p.Val1572Ala; replaces valine 1572 with alanine.
Molecular consequence: missense variant.
Genome position (GRCh38, 1-based): chr2:165,386,909, T>C. VCF-style: chr2-165386909-T-C. GRCh37 (hg19) VCF-style: chr2-166243419-T-C.
Other names: c.4715T>C, p.Val1572Ala (NM_001040143.2, NM_001371246.1, NM_001371247.1 and 1 more transcripts); short protein forms V1572A.
Identifiers: ClinVar variation 1691648 (VCV001691648.5), dbSNP rs1701903914, ClinGen allele CA349036605.